The following is an entry in ClinVar:

NM_001366385.1(CARD14):c.2220-3C>T

Genes: SGSH (N-sulfoglucosamine sulfohydrolase; minus strand), CARD14 (caspase recruitment domain family member 14; plus strand). Cytogenetic location: 17q25.3.
Variant type: single nucleotide variant.
Coding change: c.2220-3C>T on transcript NM_001366385.1 (MANE Select); 3 bases into the intron before coding-DNA position 2220, C replaced by T.
Molecular consequence: intron variant.
Genome position (GRCh38, 1-based): chr17:80,203,819, C>T. VCF-style: chr17-80203819-C-T. GRCh37 (hg19) VCF-style: chr17-78177618-C-T.
Other names: c.2220-3C>T (NM_024110.4).
Identifiers: ClinVar variation 1062950 (VCV001062950.9), dbSNP rs1261633223, ClinGen allele CA502192218.
Genomic context (GRCh38, chr17:80,203,819, plus strand): 5'-TCTCCCCTGCCCTGCTCACCTGGCAGGAGGCAGCTGGGTCAGGGCCTCTGCTGGTCTCTG[C>T]AGGGCTCAGCAGCAGCTCATAGCCCTCATCCAGGACATGACTCAGCAGTGCACCGTGACC-3'

ClinVar aggregate classification (germline): Uncertain significance (1 of 4 stars; one submission).

Conditions:
Psoriasis 2. Identifiers: MedGen C1864497, MONDO:0011269, OMIM 602723.
Pityriasis rubra pilaris (PRP). Also called: Pityriasis rubra pilaris--familial type. Identifiers: Orphanet 2897, MedGen C0032027, MONDO:0100017, OMIM 173200, MONDO:0008251.

Allele frequency attached by ClinVar (database versions not stated): gnomAD exomes 0.00001; TOPMed 0.00001; gnomAD 0.00002 and 0.00003.
gnomAD v4.1: 15 of 1,570,534 alleles (0.00096%); highest among the groups gnomAD compares: Admixed American, 0.0019%; no homozygotes.

Submission:

Labcorp Genetics (formerly Invitae), Labcorp
Classification: Uncertain significance for Pityriasis rubra pilaris; Psoriasis 2. Last evaluated: 2024-09-17. Review status: criteria provided, single submitter. Criteria: Invitae Variant Classification Sherloc (09022015). Collection method: clinical testing. Allele origin: germline.
Comment: This sequence change falls in intron 15 of the CARD14 gene. It does not directly change the encoded amino acid sequence of the CARD14 protein. It affects a nucleotide within the consensus splice site. The frequency data for this variant in the population databases is considered unreliable, as metrics indicate poor data quality at this position in the gnomAD database. This variant has not been reported in the literature in individuals affected with CARD14-related conditions. ClinVar contains an entry for this variant (Variation ID: 1062950). Variants that disrupt the consensus splice site are a relatively common cause of aberrant splicing (PMID: 17576681, 9536098). Algorithms developed to predict the effect of sequence changes on RNA splicing suggest that this variant is not likely to affect RNA splicing. In summary, the available evidence is currently insufficient to determine the role of this variant in disease. Therefore, it has been classified as a Variant of Uncertain Significance.

Literature cited by the submitters: PubMed 17576681; PubMed 9536098.